The following is an entry in ClinVar:

NM_004070.4(CLCNKA):c.935C>T (p.Thr312Ile)

Genes: CLCNKA (chloride voltage-gated channel Ka; plus strand), LOC106501712 (CLCNKA recombination region; plus strand). Cytogenetic location: 1p36.13.
Variant type: single nucleotide variant.
Coding change: c.935C>T on transcript NM_004070.4 (MANE Select); coding-DNA position 935, C replaced by T.
Protein change: p.Thr312Ile; replaces threonine 312 with isoleucine.
Molecular consequence: missense variant.
Genome position (GRCh38, 1-based): chr1:16,028,086, C>T. VCF-style: chr1-16028086-C-T. GRCh37 (hg19) VCF-style: chr1-16354581-C-T.
Other names: c.935C>T, p.Thr312Ile (NM_001042704.2); c.806C>T, p.Thr269Ile (NM_001257139.2); short protein forms T312I, T269I.
Identifiers: ClinVar variation 717468 (VCV000717468.7), dbSNP rs138110172, ClinGen allele CA622465.
Genomic context (GRCh38, chr1:16,028,086, plus strand): 5'-GCGGCGTCCTGAGCTGTGCTTACCTCTTCTGTCAGCGAACCTTCCTCAGCTTCATCAAGA[C>T]CAATCGGTACAGCTCCAAACTGCTGGCTACTAGGTAGGCTCTGGGCTAGGGGCTGGGGAC-3'
Protein context (NP_004061.3, residues 302-322): CQRTFLSFIK[Thr312Ile]NRYSSKLLAT

ClinVar aggregate classification (germline): Conflicting classifications of pathogenicity. Review status: criteria provided, conflicting classifications (1 of 4 stars). 4 submissions from 4 submitters: Uncertain significance (1); Likely benign (3). Last evaluated 2025-09-30.

Conditions:
Bartter disease type 4B. Also called: Bartter syndrome, type 4b, digenic; BARTTER SYNDROME, TYPE 4B; BARTTER SYNDROME, TYPE 4B, NEONATAL, WITH SENSORINEURAL DEAFNESS. Identifiers: Orphanet 112, MedGen C4310805, MONDO:0000909, OMIM 613090.

Allele frequency attached by ClinVar (database versions not stated): gnomAD exomes 0.00178 and 0.00235; 1000 Genomes Project 0.00240; ExAC 0.00243; 1000 Genomes Project 30x 0.00265; gnomAD 0.00332; TOPMed 0.00335; ESP Exome Variant Server 0.00415.
gnomAD v4.1: 3,093 of 1,577,716 alleles (0.2%); highest among the groups gnomAD compares: Middle Eastern, 0.88%; 13 homozygotes.

Submissions (4):

Women's Health and Genetics/Laboratory Corporation of America, LabCorp
Classification: Likely benign. Last evaluated: 2025-09-30. Review status: criteria provided, single submitter. Criteria: LabCorp Variant Classification Summary - May 2015. Collection method: clinical testing. Allele origin: germline.
Comment: Variant summary: CLCNKA c.935C>T (p.Thr312Ile) results in a non-conservative amino acid change in the encoded protein sequence. Algorithms developed to predict the effect of missense changes on protein structure and function are either unavailable or do not agree on the potential impact of this missense change. The variant allele was found at a frequency of 0.0023 in 251448 control chromosomes in the gnomAD database, including 3 homozygotes. The observed variant frequency exceeds the estimated maximal expected allele frequency for disease-causing variants in CLCNKA. To our knowledge, no occurrence of c.935C>T in individuals affected with CLCNKA-related conditions and no experimental evidence demonstrating its impact on protein function have been reported. ClinVar contains an entry for this variant (Variation ID: 717468). Based on the evidence outlined above, the variant was classified as likely benign.

Blueprint Genetics
Classification: Likely benign. Last evaluated: 2024-11-07. Review status: criteria provided, single submitter. Criteria: ACMG Guidelines, 2015. Collection method: clinical testing. Allele origin: germline.

Labcorp Genetics (formerly Invitae), Labcorp
Classification: Likely benign. Last evaluated: 2019-12-31. Review status: criteria provided, single submitter. Criteria: Invitae Variant Classification Sherloc (09022015). Collection method: clinical testing. Allele origin: germline.

Mendelics
Classification: Uncertain significance for Bartter disease type 4B. Last evaluated: 2019-05-28. Review status: criteria provided, single submitter. Criteria: Mendelics Assertion Criteria 2017. Collection method: clinical testing. Allele origin: unknown.